The following is an entry in ClinVar:

ClinVar aggregate classification (germline): Uncertain significance (1 of 4 stars; one submission).

Conditions:
Familial thoracic aortic aneurysm and aortic dissection (TAAD). Also called: Thoracic aortic aneurysms and dissections. Identifiers: Orphanet 91387, MedGen C4707243, MONDO:0019625.

Submission:

Color Diagnostics, LLC DBA Color Health
Classification: Uncertain significance for Familial thoracic aortic aneurysm and aortic dissection. Last evaluated: 2024-03-06. Review status: criteria provided, single submitter. Criteria: ACMG Guidelines, 2015. Collection method: clinical testing. Allele origin: germline.
Comment: This missense variant replaces lysine with methionine at codon 1802 of the FBN1 protein. Computational prediction is inconclusive regarding the impact of this variant on protein structure and function (internally defined REVEL score threshold 0.5 < inconclusive < 0.7, PMID: 27666373). To our knowledge, functional studies have not been reported for this variant. This variant has not been reported in individuals affected with cardiovascular disorders in the literature. This variant has not been identified in the general population by the Genome Aggregation Database (gnomAD). The available evidence is insufficient to determine the role of this variant in disease conclusively. Therefore, this variant is classified as a Variant of Uncertain Significance.

NM_000138.5(FBN1):c.5405A>T (p.Lys1802Met)

Gene: FBN1 (fibrillin 1; minus strand). Cytogenetic location: 15q21.1.
Variant type: single nucleotide variant.
Coding change: c.5405A>T on transcript NM_000138.5 (MANE Select); coding-DNA position 5405, A replaced by T.
Protein change: p.Lys1802Met; replaces lysine 1802 with methionine.
Molecular consequence: missense variant.
Genome position (GRCh38, 1-based): chr15:48,456,654, T>A on the plus strand (A>T on the coding strand, the complement: FBN1 is on the minus strand). VCF-style: chr15-48456654-T-A. GRCh37 (hg19) VCF-style: chr15-48748851-T-A.
Other names: c.5405A>T, p.Lys1802Met (NM_001406716.1); short protein forms K1802M.
Identifiers: ClinVar variation 2773334 (VCV002773334.2), dbSNP rs886051248, ClinGen allele CA392345851.